The following is an entry in ClinVar:

ClinVar aggregate classification (germline): Uncertain significance (1 of 4 stars; one submission).

Conditions:
Myopathy, proximal, and ophthalmoplegia (CMYO6). Also called: MYOPATHY WITH CONGENITAL JOINT CONTRACTURES, OPHTHALMOPLEGIA, AND RIMMED VACUOLES; CONGENITAL MYOPATHY 6 WITH OPHTHALMOPLEGIA; INCLUSION BODY MYOPATHY 3, AUTOSOMAL DOMINANT. Identifiers: Orphanet 363677, Orphanet 79091, MedGen C1854106, MONDO:0011577, OMIM 605637.

gnomAD v4.1: 4 of 1,614,052 alleles (0.00025%); highest among the groups gnomAD compares: Non-Finnish European, 0.00034%; no homozygotes.

Submission:

Labcorp Genetics (formerly Invitae), Labcorp
Classification: Uncertain significance for Myopathy, proximal, and ophthalmoplegia. Last evaluated: 2024-12-23. Review status: criteria provided, single submitter. Criteria: Invitae Variant Classification Sherloc (09022015). Collection method: clinical testing. Allele origin: germline.
Comment: This sequence change replaces glycine, which is neutral and non-polar, with arginine, which is basic and polar, at codon 213 of the MYH2 protein (p.Gly213Arg). This variant is not present in population databases (gnomAD no frequency). This variant has not been reported in the literature in individuals affected with MYH2-related conditions. Invitae Evidence Modeling of protein sequence and biophysical properties (such as structural, functional, and spatial information, amino acid conservation, physicochemical variation, residue mobility, and thermodynamic stability) indicates that this missense variant is not expected to disrupt MYH2 protein function with a negative predictive value of 80%. In summary, the available evidence is currently insufficient to determine the role of this variant in disease. Therefore, it has been classified as a Variant of Uncertain Significance.

NM_017534.6(MYH2):c.637G>C (p.Gly213Arg)

Genes: MYHAS (myosin heavy chain gene cluster antisense RNA; plus strand), MYH2 (myosin heavy chain 2; minus strand), LOC126862501 (CDK7 strongly-dependent group 2 enhancer GRCh37_chr17:10446256-10447455; plus strand). Cytogenetic location: 17p13.1.
Variant type: single nucleotide variant.
Coding change: c.637G>C on transcript NM_017534.6 (MANE Select); coding-DNA position 637, G replaced by C.
Protein change: p.Gly213Arg; replaces glycine 213 with arginine.
Molecular consequence: missense variant.
Genome position (GRCh38, 1-based): chr17:10,543,913, C>G on the plus strand (G>C on the coding strand, the complement: MYH2 is on the minus strand). VCF-style: chr17-10543913-C-G. GRCh37 (hg19) VCF-style: chr17-10447230-C-G.
Other names: c.637G>C, p.Gly213Arg (NM_001100112.2); short protein forms G213R.
Identifiers: ClinVar variation 3621095 (VCV003621095.2).